The following is an entry in ClinVar:

ClinVar aggregate classification (germline): Uncertain significance (1 of 4 stars; one submission).

Conditions:
Hereditary cancer-predisposing syndrome. Also called: Tumor predisposition; Hereditary Cancer Syndrome; Neoplastic Syndromes, Hereditary; Hereditary neoplastic syndrome. Identifiers: Orphanet 140162, MedGen C0027672, MeSH D009386, MONDO:0015356.

Submission:

Color Diagnostics, LLC DBA Color Health
Classification: Uncertain significance for Hereditary cancer-predisposing syndrome. Last evaluated: 2025-07-23. Review status: criteria provided, single submitter. Criteria: ACMG Guidelines, 2015. Collection method: clinical testing. Allele origin: germline.
Comment: This missense variant replaces leucine with phenylalanine at codon 2898 of the BRCA2 protein. Computational prediction suggests that this variant may not impact protein structure and function.Functional studies have reported that this variant does not impact BRCA2 in a haploid cell proliferation assay and in sensitivity assays to cisplatin and PARP inhibitor (PMID: 39779848, 39779857). To our knowledge, this variant has not been reported in individuals affected with BRCA2-related disorders in the literature. This variant has not been identified in the general population by the Genome Aggregation Database (gnomAD). The available evidence is insufficient to determine the role of this variant in disease conclusively. Therefore, this variant is classified as a Variant of Uncertain Significance.

Literature cited by the submitters: PubMed 39779848; PubMed 39779857.

NM_000059.4(BRCA2):c.8694G>T (p.Leu2898Phe)

Gene: BRCA2 (BRCA2 DNA repair associated; plus strand). Cytogenetic location: 13q13.1.
Variant type: single nucleotide variant.
Coding change: c.8694G>T on transcript NM_000059.4 (MANE Select); coding-DNA position 8694, G replaced by T.
Protein change: p.Leu2898Phe; replaces leucine 2898 with phenylalanine.
Molecular consequence: missense variant. On other transcripts: non-coding transcript variant (1).
Genome position (GRCh38, 1-based): chr13:32,376,731, G>T. VCF-style: chr13-32376731-G-T. GRCh37 (hg19) VCF-style: chr13-32950868-G-T.
Other names: c.8598G>T, p.Leu2866Phe (NM_001406719.1); c.8694G>T, p.Leu2898Phe (NM_001406720.1, NM_001432077.1); c.3762G>T, p.Leu1254Phe (NM_001406721.1); c.2277G>T, p.Leu759Phe (NM_001406722.1); short protein forms L1254F, L2866F, L2898F, L759F.
Identifiers: ClinVar variation 4757746 (VCV004757746.1).